The following is an entry in ClinVar:

NM_002474.3(MYH11):c.3659C>T (p.Ala1220Val)

Gene: MYH11 (myosin heavy chain 11; minus strand). Cytogenetic location: 16p13.11.
Variant type: single nucleotide variant.
Coding change: c.3659C>T on transcript NM_002474.3 (MANE Select); coding-DNA position 3659, C replaced by T.
Protein change: p.Ala1220Val; replaces alanine 1220 with valine.
Molecular consequence: missense variant.
Genome position (GRCh38, 1-based): chr16:15,727,047, G>A on the plus strand (C>T on the coding strand, the complement: MYH11 is on the minus strand). VCF-style: chr16-15727047-G-A. GRCh37 (hg19) VCF-style: chr16-15820904-G-A.
Other names: c.3680C>T, p.Ala1227Val (NM_001040113.2, NM_001040114.2); c.3659C>T, p.Ala1220Val (NM_022844.3); short protein forms A1220V, A1227V.
Identifiers: ClinVar variation 2621152 (VCV002621152.6), dbSNP rs746382010, ClinGen allele CA7921925.

ClinVar aggregate classification (germline): Uncertain significance. Review status: criteria provided, multiple submitters, no conflicts (2 of 4 stars). 3 submissions from 3 submitters: Uncertain significance (3). Last evaluated 2026-03-12.

Conditions:
Familial thoracic aortic aneurysm and aortic dissection (TAAD). Also called: Thoracic aortic aneurysms and dissections. Identifiers: Orphanet 91387, MedGen C4707243, MONDO:0019625.
Aortic aneurysm, familial thoracic 4 (AAT4). Also called: AORTIC ANEURYSM/AORTIC DISSECTION AND PATENT DUCTUS ARTERIOSUS. Identifiers: MedGen C1851504, MONDO:0007568, OMIM 132900.

Allele frequency attached by ClinVar (database versions not stated): TOPMed below 0.00001; ExAC 0.00002.

Submissions (3):

GeneDx
Classification: Uncertain significance. Last evaluated: 2026-03-12. Review status: criteria provided, single submitter. Criteria: GeneDx Variant Classification Process June 2021. Collection method: clinical testing. Allele origin: germline.
Comment: Not observed at significant frequency in large population cohorts (gnomAD); In silico analysis suggests that this missense variant does not alter protein structure/function; Has not been previously published as pathogenic or benign to our knowledge

Labcorp Genetics (formerly Invitae), Labcorp
Classification: Uncertain significance for Aortic aneurysm, familial thoracic 4. Last evaluated: 2025-12-17. Review status: criteria provided, single submitter. Criteria: Invitae Variant Classification Sherloc (09022015). Collection method: clinical testing. Allele origin: germline.
Comment: This sequence change replaces alanine, which is neutral and non-polar, with valine, which is neutral and non-polar, at codon 1227 of the MYH11 protein (p.Ala1227Val). This variant is present in population databases (rs746382010, gnomAD 0.003%). This variant has not been reported in the literature in individuals affected with MYH11-related conditions. ClinVar contains an entry for this variant (Variation ID: 2621152). Invitae Evidence Modeling of protein sequence and biophysical properties (such as structural, functional, and spatial information, amino acid conservation, physicochemical variation, residue mobility, and thermodynamic stability) indicates that this missense variant is not expected to disrupt MYH11 protein function with a negative predictive value of 95%. In summary, the available evidence is currently insufficient to determine the role of this variant in disease. Therefore, it has been classified as a Variant of Uncertain Significance.

Ambry Genetics
Classification: Uncertain significance for Familial thoracic aortic aneurysm and aortic dissection. Last evaluated: 2023-08-11. Review status: criteria provided, single submitter. Criteria: Ambry Variant Classification Scheme 2023. Collection method: clinical testing. Allele origin: germline.
Comment: The p.A1220V variant (also known as c.3659C>T), located in coding exon 27 of the MYH11 gene, results from a C to T substitution at nucleotide position 3659. The alanine at codon 1220 is replaced by valine, an amino acid with similar properties. This amino acid position is conserved. In addition, this alteration is predicted to be tolerated by in silico analysis. Since supporting evidence is limited at this time, the clinical significance of this alteration remains unclear.